The following is an entry in ClinVar:

ClinVar aggregate classification (germline): Conflicting classifications of pathogenicity. Review status: criteria provided, conflicting classifications (1 of 4 stars). 2 submissions from 2 submitters: Likely pathogenic (1); Likely benign (1). Last evaluated 2024-10-04.

Conditions:
Menke-Hennekam syndrome 1 (MKHK1). Identifiers: MedGen C5193034, MONDO:0020763, OMIM 618332.
Rubinstein-Taybi syndrome (RSTS). Identifiers: Orphanet 783, MedGen C0035934, MONDO:0019188.

Allele frequency attached by ClinVar (database versions not stated): gnomAD exomes below 0.00001; ExAC 0.00001.
gnomAD v4.1: 1 of 1,614,256 alleles (0.000062%); highest among the groups gnomAD compares: Non-Finnish European, 0.000085%; no homozygotes.

Submissions (2):

Dubai Health Genomic Medicine Center, Dubai Health
Classification: Likely pathogenic for Menke-Hennekam syndrome 1. Last evaluated: 2024-10-04. Review status: criteria provided, single submitter. Criteria: ACMG Guidelines, 2015. Collection method: research. Allele origin: germline. Affected: yes.
Comment: PM6,PM2,PP3,PP2

Labcorp Genetics (formerly Invitae), Labcorp
Classification: Likely benign for Rubinstein-Taybi syndrome. Last evaluated: 2023-02-09. Review status: criteria provided, single submitter. Criteria: Invitae Variant Classification Sherloc (09022015). Collection method: clinical testing. Allele origin: germline.

NM_004380.3(CREBBP):c.685C>T (p.Pro229Ser)

Gene: CREBBP (CREB binding lysine acetyltransferase; minus strand). Cytogenetic location: 16p13.3.
Variant type: single nucleotide variant.
Coding change: c.685C>T on transcript NM_004380.3 (MANE Select); coding-DNA position 685, C replaced by T.
Protein change: p.Pro229Ser; replaces proline 229 with serine.
Molecular consequence: missense variant.
Genome position (GRCh38, 1-based): chr16:3,850,410, G>A on the plus strand (C>T on the coding strand, the complement: CREBBP is on the minus strand). VCF-style: chr16-3850410-G-A. GRCh37 (hg19) VCF-style: chr16-3900411-G-A.
Other names: c.685C>T, p.Pro229Ser (NM_001079846.1); short protein forms P229S.
Identifiers: ClinVar variation 2801012 (VCV002801012.4), dbSNP rs771371997, ClinGen allele CA7870631.